The following is an entry in ClinVar:

NM_000465.4(BARD1):c.726C>G (p.Phe242Leu)

Gene: BARD1 (BRCA1 associated RING domain 1; minus strand). Cytogenetic location: 2q35.
Variant type: single nucleotide variant.
Coding change: c.726C>G on transcript NM_000465.4 (MANE Select); coding-DNA position 726, C replaced by G.
Protein change: p.Phe242Leu; replaces phenylalanine 242 with leucine.
Molecular consequence: missense variant. On other transcripts: non-coding transcript variant (2), intron variant (3).
Genome position (GRCh38, 1-based): chr2:214,781,148, G>C on the plus strand (C>G on the coding strand, the complement: BARD1 is on the minus strand). VCF-style: chr2-214781148-G-C. GRCh37 (hg19) VCF-style: chr2-215645872-G-C.
Other names: c.669C>G, p.Phe223Leu (NM_001282543.2); c.158+28264C>G (NM_001282548.2); c.215+15913C>G (NM_001282545.2); c.364+11149C>G (NM_001282549.2); short protein forms F242L, F223L.
Identifiers: ClinVar variation 231645 (VCV000231645.13), dbSNP rs876659277, ClinGen allele CA10577836.

ClinVar aggregate classification (germline): Uncertain significance. Review status: criteria provided, multiple submitters, no conflicts (2 of 4 stars). 2 submissions from 2 submitters: Uncertain significance (2). Last evaluated 2021-08-31.

Conditions:
Hereditary cancer-predisposing syndrome. Also called: Neoplastic Syndromes, Hereditary; Tumor predisposition; Hereditary Cancer Syndrome; Hereditary neoplastic syndrome. Identifiers: Orphanet 140162, MedGen C0027672, MeSH D009386, MONDO:0015356.
Familial cancer of breast. Also called: BREAST CANCER, FAMILIAL; hereditary breast carcinoma; Hereditary breast cancer. Identifiers: Orphanet 227535, MedGen C0346153, MONDO:0016419, OMIM 114480. Disease mechanism: loss of function.

Submissions (2):

Labcorp Genetics (formerly Invitae), Labcorp
Classification: Uncertain significance for Familial cancer of breast. Last evaluated: 2021-08-31. Review status: criteria provided, single submitter. Criteria: Invitae Variant Classification Sherloc (09022015). Collection method: clinical testing. Allele origin: germline.
Comment: This sequence change replaces phenylalanine with leucine at codon 242 of the BARD1 protein (p.Phe242Leu). The phenylalanine residue is moderately conserved and there is a small physicochemical difference between phenylalanine and leucine. This variant is not present in population databases (ExAC no frequency). This variant has not been reported in the literature in individuals affected with BARD1-related conditions. ClinVar contains an entry for this variant (Variation ID: 231645). Algorithms developed to predict the effect of missense changes on protein structure and function (SIFT, PolyPhen-2, Align-GVGD) all suggest that this variant is likely to be tolerated. In summary, the available evidence is currently insufficient to determine the role of this variant in disease. Therefore, it has been classified as a Variant of Uncertain Significance.

Ambry Genetics
Classification: Uncertain significance for Hereditary cancer-predisposing syndrome. Last evaluated: 2015-05-13. Review status: criteria provided, single submitter. Criteria: Ambry Variant Classification Scheme 2023. Collection method: clinical testing. Allele origin: germline.
Comment: The p.F242L variant (also known as c.726C>G), located in coding exon 4 of the BARD1 gene, results from a C to G substitution at nucleotide position 726. The phenylalanine at codon 242 is replaced by leucine, an amino acid with highly similar properties. This variant was not reported in population based cohorts in the following databases: Database of Single Nucleotide Polymorphisms (dbSNP), NHLBI Exome Sequencing Project (ESP), and 1000 Genomes Project. In the ESP, this variant was not observed in 6502 samples (13004 alleles) with coverage at this position. To date, this alteration has been detected with an allele frequency of approximately 0.002% (greater than 65000 alleles tested) in our clinical cohort. This amino acid position is not well conserved in available vertebrate species. In addition, this alteration is predicted to be tolerated by in silico analysis. Since supporting evidence is limited at this time, the clinical significance of p.F242L remains unclear.